The following is an entry in ClinVar:

ClinVar aggregate classification (germline): Likely pathogenic (1 of 4 stars; one submission).

Conditions:
Usher syndrome type 1 (USH1). Also called: RETINITIS PIGMENTOSA AND CONGENITAL DEAFNESS. Identifiers: Orphanet 231169, Orphanet 886, MedGen C1568247, MONDO:0010168, OMIM 276900.

Submission:

Natera, Inc.
Classification: Likely pathogenic for Usher syndrome type 1. Last evaluated: 2024-03-05. Review status: criteria provided, single submitter. Criteria: Natera Variant Classification Schema (03/2026). Collection method: clinical testing. Allele origin: germline.
Comment: The c.2576_2577delCT variant in CDH23 is a frameshift variant predicted to shift the reading frame beginning at codon 859 and leads to a stop codon 3 codons downstream. This variant is expected to result in nonsense mediated decay, truncation, or a dysfunctional protein product. This variant is rare in the general population with a frequency below the threshold expected for the associated phenotype(s). Given the available evidence, this variant is classified as Likely Pathogenic.

NM_022124.6(CDH23):c.2576_2577del (p.Ser859fs)

Gene: CDH23 (cadherin related 23; plus strand). Cytogenetic location: 10q22.1.
Variant type: Microsatellite.
Coding change: c.2576_2577del on transcript NM_022124.6 (MANE Select); coding-DNA positions 2576 to 2577, 2 bases deleted (CT; older notation c.2576_2577delCT).
Protein change: p.Ser859fs; shifts the reading frame from serine 859.
Molecular consequence: frameshift variant.
Genome position (GRCh38, 1-based): chr10:71,702,200-71,702,201, CT deleted; deleting any 2 consecutive bases within chr10:71,702,197-71,702,201 gives the same sequence; the c. name uses the placement nearest the transcript's 3' end. VCF-style (leftmost placement, unchanged base first): chr10-71702196-GTC-G. GRCh37 (hg19) VCF-style: chr10-73461953-GTC-G.
Other names: c.2576_2577del, p.Ser859fs (NM_001171930.2, NM_001171931.2); short protein forms S859fs.
Identifiers: ClinVar variation 4816073 (VCV004816073.1).